The following is an entry in ClinVar:

NM_032444.4(SLX4):c.4293G>C (p.Glu1431Asp)

Gene: SLX4 (SLX4 structure-specific endonuclease subunit; minus strand). Cytogenetic location: 16p13.3.
Variant type: single nucleotide variant.
Coding change: c.4293G>C on transcript NM_032444.4 (MANE Select); coding-DNA position 4293, G replaced by C.
Protein change: p.Glu1431Asp; replaces glutamic acid 1431 with aspartic acid.
Molecular consequence: missense variant.
Genome position (GRCh38, 1-based): chr16:3,589,345, C>G on the plus strand (G>C on the coding strand, the complement: SLX4 is on the minus strand). VCF-style: chr16-3589345-C-G. GRCh37 (hg19) VCF-style: chr16-3639346-C-G.
Other names: short protein forms E1431D.
Identifiers: ClinVar variation 3665941 (VCV003665941.2).

ClinVar aggregate classification (germline): Uncertain significance (1 of 4 stars; one submission).

Conditions:
Fanconi anemia (FA). Also called: Fanconi's anemia. Identifiers: Orphanet 84, MedGen C0015625, MeSH D005199, MONDO:0019391.

Submission:

Labcorp Genetics (formerly Invitae), Labcorp
Classification: Uncertain significance for Fanconi anemia. Last evaluated: 2024-11-22. Review status: criteria provided, single submitter. Criteria: Invitae Variant Classification Sherloc (09022015). Collection method: clinical testing. Allele origin: germline.
Comment: This sequence change replaces glutamic acid, which is acidic and polar, with aspartic acid, which is acidic and polar, at codon 1431 of the SLX4 protein (p.Glu1431Asp). This variant is not present in population databases (gnomAD no frequency). This variant has not been reported in the literature in individuals affected with SLX4-related conditions. An algorithm developed to predict the effect of missense changes on protein structure and function (PolyPhen-2) suggests that this variant is likely to be disruptive. In summary, the available evidence is currently insufficient to determine the role of this variant in disease. Therefore, it has been classified as a Variant of Uncertain Significance.